The following is an entry in ClinVar:

ClinVar aggregate classification (germline): Uncertain significance. Review status: criteria provided, multiple submitters, no conflicts (2 of 4 stars). 2 submissions from 2 submitters: Uncertain significance (2). Last evaluated 2024-12-02.

Conditions:
Adams-Oliver syndrome 5 (AOS5). Identifiers: Orphanet 974, MedGen C4014970, MONDO:0014459, OMIM 616028.
Familial thoracic aortic aneurysm and aortic dissection (TAAD). Also called: Thoracic aortic aneurysms and dissections. Identifiers: Orphanet 91387, MedGen C4707243, MONDO:0019625.

Submissions (2):

Labcorp Genetics (formerly Invitae), Labcorp
Classification: Uncertain significance for Adams-Oliver syndrome 5. Last evaluated: 2024-12-02. Review status: criteria provided, single submitter. Criteria: Invitae Variant Classification Sherloc (09022015). Collection method: clinical testing. Allele origin: germline.
Comment: This sequence change replaces aspartic acid, which is acidic and polar, with histidine, which is basic and polar, at codon 1021 of the NOTCH1 protein (p.Asp1021His). This variant is not present in population databases (gnomAD no frequency). This variant has not been reported in the literature in individuals affected with NOTCH1-related conditions. ClinVar contains an entry for this variant (Variation ID: 1799380). Invitae Evidence Modeling of protein sequence and biophysical properties (such as structural, functional, and spatial information, amino acid conservation, physicochemical variation, residue mobility, and thermodynamic stability) indicates that this missense variant is not expected to disrupt NOTCH1 protein function with a negative predictive value of 80%. In summary, the available evidence is currently insufficient to determine the role of this variant in disease. Therefore, it has been classified as a Variant of Uncertain Significance.

Ambry Genetics
Classification: Uncertain significance for Familial thoracic aortic aneurysm and aortic dissection. Last evaluated: 2021-07-15. Review status: criteria provided, single submitter. Criteria: Ambry Variant Classification Scheme 2023. Collection method: clinical testing. Allele origin: germline.
Comment: The p.D1021H variant (also known as c.3061G>C), located in coding exon 19 of the NOTCH1 gene, results from a G to C substitution at nucleotide position 3061. The aspartic acid at codon 1021 is replaced by histidine, an amino acid with similar properties. This amino acid position is conserved. In addition, the in silico prediction for this alteration is inconclusive. Since supporting evidence is limited at this time, the clinical significance of this alteration remains unclear.

NM_017617.5(NOTCH1):c.3061G>C (p.Asp1021His)

Gene: NOTCH1 (notch receptor 1; minus strand). Cytogenetic location: 9q34.3.
Variant type: single nucleotide variant.
Coding change: c.3061G>C on transcript NM_017617.5 (MANE Select); coding-DNA position 3061, G replaced by C.
Protein change: p.Asp1021His; replaces aspartic acid 1021 with histidine.
Molecular consequence: missense variant.
Genome position (GRCh38, 1-based): chr9:136,508,980, C>G on the plus strand (G>C on the coding strand, the complement: NOTCH1 is on the minus strand). VCF-style: chr9-136508980-C-G. GRCh37 (hg19) VCF-style: chr9-139403432-C-G.
Other names: short protein forms D1021H.
Identifiers: ClinVar variation 1799380 (VCV001799380.7), dbSNP rs760908627, ClinGen allele CA375552871.